The following is an entry in ClinVar:

ClinVar aggregate classification (germline): Likely benign (0 of 4 stars; one submission).

Conditions:
SEMA3C-related disorder. Also called: SEMA3C-related condition.

gnomAD v4.1: 23 of 1,510,526 alleles (0.0015%); highest among the groups gnomAD compares: Admixed American, 0.046%; 1 homozygote.

Submission:

PreventionGenetics, part of Exact Sciences
Classification: Likely benign for SEMA3C-related condition. Last evaluated: 2021-09-23. Review status: no assertion criteria provided. Collection method: clinical testing. Allele origin: germline.
Comment: This variant is classified as likely benign based on ACMG/AMP sequence variant interpretation guidelines (Richards et al. 2015 PMID: 25741868, with internal and published modifications).

NM_006379.5(SEMA3C):c.986+4A>G

Gene: SEMA3C (semaphorin 3C; minus strand). Cytogenetic location: 7q21.11.
Variant type: single nucleotide variant.
Coding change: c.986+4A>G on transcript NM_006379.5 (MANE Select); 4 bases into the intron after coding-DNA position 986, A replaced by G.
Molecular consequence: intron variant.
Genome position (GRCh38, 1-based): chr7:80,800,753, T>C on the plus strand (A>G on the coding strand, the complement: SEMA3C is on the minus strand). VCF-style: chr7-80800753-T-C. GRCh37 (hg19) VCF-style: chr7-80430069-T-C.
Other names: c.1040+4A>G (NM_001350120.2); c.812+4A>G (NM_001350121.2).
Identifiers: ClinVar variation 3357137 (VCV003357137.1).